The following is an entry in ClinVar:

ClinVar aggregate classification (germline): Pathogenic/Likely pathogenic. Review status: criteria provided, multiple submitters, no conflicts (2 of 4 stars). 4 submissions from 4 submitters: Pathogenic (3); Likely pathogenic (1). Last evaluated 2024-06-30.

Conditions:
PRPF31-related disorder. Also called: PRPF31-related condition.
Retinitis pigmentosa 11 (RP11). Identifiers: Orphanet 791, MedGen C1838601, MONDO:0010828, OMIM 600138.

Submissions (4):

Labcorp Genetics (formerly Invitae), Labcorp
Classification: Pathogenic. Last evaluated: 2024-06-30. Review status: criteria provided, single submitter. Criteria: Invitae Variant Classification Sherloc (09022015). Collection method: clinical testing. Allele origin: germline.
Comment: This sequence change creates a premature translational stop signal (p.Gln350*) in the PRPF31 gene. It is expected to result in an absent or disrupted protein product. Loss-of-function variants in PRPF31 are known to be pathogenic (PMID: 18317597, 23950152). This variant is not present in population databases (gnomAD no frequency). This premature translational stop signal has been observed in individual(s) with retinitis pigmentosa (PMID: 24265693). ClinVar contains an entry for this variant (Variation ID: 866200). For these reasons, this variant has been classified as Pathogenic.

Blueprint Genetics
Classification: Likely pathogenic for PRPF31-related disorders. Last evaluated: 2018-10-18. Review status: criteria provided, single submitter. Criteria: ACMG Guidelines, 2015. Collection method: clinical testing. Allele origin: germline. Affected: yes. Observed: 1 variant allele.

CeGaT Center for Human Genetics Tuebingen
Classification: Pathogenic. Last evaluated: 2017-12-01. Review status: criteria provided, single submitter. Criteria: CeGaT Center For Human Genetics Tuebingen Variant Classification Criteria Version 2. Collection method: clinical testing. Allele origin: germline. Affected: yes. Observed: 1 variant allele.

Juno Genomics, Hangzhou Juno Genomics, Inc
Classification: Pathogenic for Retinitis pigmentosa 11. Review status: criteria provided, single submitter. Criteria: ACMG Guidelines, 2015. Collection method: clinical testing. Allele origin: germline. Affected: yes.
Comment: Absent from controls (or at extremely low frequency if recessive) in Genome Aggregation Database, Exome Sequencing Project, 1000 Genomes Project, or Exome Aggregation Consortium.;Null variant in a gene where loss of function (LOF) is a known mechanism of disease.;The prevalence of the variant in affected individuals is significantly increased compared to the prevalence in controls.

Literature cited by the submitters: PubMed 18317597 (cited by Labcorp Genetics (formerly Invitae), Labcorp); PubMed 23950152 (cited by Labcorp Genetics (formerly Invitae), Labcorp); PubMed 24265693 (cited by Labcorp Genetics (formerly Invitae), Labcorp).

NM_015629.4(PRPF31):c.1048C>T (p.Gln350Ter)

Gene: PRPF31 (pre-mRNA processing factor 31; plus strand). Cytogenetic location: 19q13.42.
Variant type: single nucleotide variant.
Coding change: c.1048C>T on transcript NM_015629.4 (MANE Select); coding-DNA position 1048, C replaced by T.
Protein change: p.Gln350Ter; replaces glutamine 350 with a stop codon.
Molecular consequence: nonsense.
Genome position (GRCh38, 1-based): chr19:54,128,175, C>T. VCF-style: chr19-54128175-C-T. GRCh37 (hg19) VCF-style: chr19-54631550-C-T.
Other names: short protein forms Q350*.
Identifiers: ClinVar variation 866200 (VCV000866200.52), dbSNP rs1342475527, ClinGen allele CA407753340.